The following is an entry in ClinVar:

NM_170707.4(LMNA):c.640-2A>G

Gene: LMNA (lamin A/C; plus strand). Cytogenetic location: 1q22.
Variant type: single nucleotide variant.
Coding change: c.640-2A>G on transcript NM_170707.4 (MANE Select); the canonical splice acceptor site of the intron before coding-DNA position 640, A replaced by G.
Molecular consequence: splice acceptor variant.
Genome position (GRCh38, 1-based): chr1:156,134,803, A>G. VCF-style: chr1-156134803-A-G. GRCh37 (hg19) VCF-style: chr1-156104594-A-G.
Other names: c.640-2A>G (NM_001406983.1, NM_001282625.2, NM_001406984.1 and 6 more transcripts); c.82-2A>G (NM_001407002.1, NM_001406993.1, NM_001407003.1 and 4 more transcripts); c.-25-2A>G (NM_001406999.1, NM_001407000.1, NM_001406994.1 and 1 more transcripts); c.397-2A>G (NM_001406986.1, NM_001406987.1, NM_001282624.2); c.304-2A>G (NM_001406989.1, NM_001257374.3, NM_001406998.1); c.343-2A>G (NM_001406988.1).
Identifiers: ClinVar variation 663822 (VCV000663822.9), dbSNP rs1572359505, ClinGen allele CA342817109.

ClinVar aggregate classification (germline): Likely pathogenic (1 of 4 stars; one submission).

Conditions:
Charcot-Marie-Tooth disease type 2. Also called: Charcot-Marie-Tooth type 2. Identifiers: Orphanet 64746, MedGen C0270914, MONDO:0018993.

gnomAD v4.1: 1 of 1,614,172 alleles (0.000062%); no homozygotes.

Submission:

Labcorp Genetics (formerly Invitae), Labcorp
Classification: Likely pathogenic for Charcot-Marie-Tooth disease type 2. Last evaluated: 2024-06-03. Review status: criteria provided, single submitter. Criteria: Invitae Variant Classification Sherloc (09022015). Collection method: clinical testing. Allele origin: germline.
Comment: This sequence change affects an acceptor splice site in intron 3 of the LMNA gene. It is expected to disrupt RNA splicing. Variants that disrupt the donor or acceptor splice site typically lead to a loss of protein function (PMID: 16199547), and loss-of-function variants in LMNA are known to be pathogenic (PMID: 18585512, 18926329). This variant is not present in population databases (gnomAD no frequency). Disruption of this splice site has been observed in individual(s) with dilated cardiomyopathy (PMID: 27532257). ClinVar contains an entry for this variant (Variation ID: 663822). Algorithms developed to predict the effect of sequence changes on RNA splicing suggest that this variant may disrupt the consensus splice site. In summary, the currently available evidence indicates that the variant is pathogenic, but additional data are needed to prove that conclusively. Therefore, this variant has been classified as Likely Pathogenic.

Literature cited by the submitters: PubMed 16199547; PubMed 18585512; PubMed 18926329; PubMed 27532257.